The following is an entry in ClinVar:

NM_000051.4(ATM):c.2383C>T (p.Pro795Ser)

Gene: ATM (ATM serine/threonine kinase; plus strand). Cytogenetic location: 11q22.3.
Variant type: single nucleotide variant.
Coding change: c.2383C>T on transcript NM_000051.4 (MANE Select); coding-DNA position 2383, C replaced by T.
Protein change: p.Pro795Ser; replaces proline 795 with serine.
Molecular consequence: missense variant.
Genome position (GRCh38, 1-based): chr11:108,258,992, C>T. VCF-style: chr11-108258992-C-T. GRCh37 (hg19) VCF-style: chr11-108129719-C-T.
Other names: c.2383C>T, p.Pro795Ser (NM_001351834.2); short protein forms P795S.
Identifiers: ClinVar variation 407646 (VCV000407646.15), dbSNP rs1060501651, ClinGen allele CA16613089.

ClinVar aggregate classification (germline): Uncertain significance. Review status: criteria provided, multiple submitters, no conflicts (2 of 4 stars). 3 submissions from 3 submitters: Uncertain significance (3). Last evaluated 2025-04-01.

Conditions:
Familial cancer of breast. Also called: Hereditary breast cancer; hereditary breast carcinoma; BREAST CANCER, FAMILIAL. Identifiers: Orphanet 227535, MedGen C0346153, MONDO:0016419, OMIM 114480. Disease mechanism: loss of function.
Hereditary cancer-predisposing syndrome. Also called: Hereditary neoplastic syndrome; Neoplastic Syndromes, Hereditary; Tumor predisposition; Hereditary Cancer Syndrome. Identifiers: Orphanet 140162, MedGen C0027672, MeSH D009386, MONDO:0015356.
Ataxia-telangiectasia syndrome (AT). Also called: Ataxia telangiectasia (A-T); LOUIS-BAR SYNDROME; Cerebello-oculocutaneous telangiectasia; Immunodeficiency with ataxia telangiectasia; Ataxia-telangiectasia, complementation group D; AT, COMPLEMENTATION GROUP C. Identifiers: Orphanet 100, MedGen C0004135, MONDO:0008840, OMIM 208900.

Submissions (3):

Ambry Genetics
Classification: Uncertain significance for Hereditary cancer-predisposing syndrome. Last evaluated: 2025-04-01. Review status: criteria provided, single submitter. Criteria: Ambry Variant Classification Scheme 2023. Collection method: clinical testing. Allele origin: germline.
Comment: The p.P795S variant (also known as c.2383C>T), located in coding exon 15 of the ATM gene, results from a C to T substitution at nucleotide position 2383. The proline at codon 795 is replaced by serine, an amino acid with similar properties. This amino acid position is well conserved in available vertebrate species. In addition, this alteration is predicted to be tolerated by in silico analysis. Since supporting evidence is limited at this time, the clinical significance of this alteration remains unclear.

Labcorp Genetics (formerly Invitae), Labcorp
Classification: Uncertain significance for Ataxia-telangiectasia syndrome. Last evaluated: 2024-10-28. Review status: criteria provided, single submitter. Criteria: Invitae Variant Classification Sherloc (09022015). Collection method: clinical testing. Allele origin: germline.
Comment: This sequence change replaces proline, which is neutral and non-polar, with serine, which is neutral and polar, at codon 795 of the ATM protein (p.Pro795Ser). This variant is not present in population databases (gnomAD no frequency). This variant has not been reported in the literature in individuals affected with ATM-related conditions. ClinVar contains an entry for this variant (Variation ID: 407646). Invitae Evidence Modeling of protein sequence and biophysical properties (such as structural, functional, and spatial information, amino acid conservation, physicochemical variation, residue mobility, and thermodynamic stability) indicates that this missense variant is not expected to disrupt ATM protein function with a negative predictive value of 95%. In summary, the available evidence is currently insufficient to determine the role of this variant in disease. Therefore, it has been classified as a Variant of Uncertain Significance.

Baylor Genetics
Classification: Uncertain significance for Familial cancer of breast. Last evaluated: 2023-09-08. Review status: criteria provided, single submitter. Criteria: ACMG Guidelines, 2015. Collection method: clinical testing. Allele origin: unknown.